The following is an entry in ClinVar:

ClinVar aggregate classification (germline): Uncertain significance (1 of 4 stars; one submission).

Submission:

Labcorp Genetics (formerly Invitae), Labcorp
Classification: Uncertain significance. Last evaluated: 2022-06-12. Review status: criteria provided, single submitter. Criteria: Invitae Variant Classification Sherloc (09022015). Collection method: clinical testing. Allele origin: germline.
Comment: In summary, the available evidence is currently insufficient to determine the role of this variant in disease. Therefore, it has been classified as a Variant of Uncertain Significance. Algorithms developed to predict the effect of sequence changes on RNA splicing suggest that this variant may create or strengthen a splice site. This variant has not been reported in the literature in individuals affected with ATR-related conditions. This variant is not present in population databases (gnomAD no frequency). This sequence change affects codon 2191 of the ATR mRNA. It is a 'silent' change, meaning that it does not change the encoded amino acid sequence of the ATR protein.

NM_001184.4(ATR):c.6573G>T (p.Val2191=)

Gene: ATR (ATR checkpoint kinase; minus strand). Cytogenetic location: 3q23.
Variant type: single nucleotide variant.
Coding change: c.6573G>T on transcript NM_001184.4 (MANE Select); coding-DNA position 6573, G replaced by T.
Protein change: p.Val2191=; no amino-acid change (valine 2191 retained).
Molecular consequence: synonymous variant.
Genome position (GRCh38, 1-based): chr3:142,468,048, C>A on the plus strand (G>T on the coding strand, the complement: ATR is on the minus strand). VCF-style: chr3-142468048-C-A. GRCh37 (hg19) VCF-style: chr3-142186890-C-A.
Other names: c.6381G>T, p.Val2127= (NM_001354579.2).
Identifiers: ClinVar variation 2202576 (VCV002202576.4), dbSNP rs370388187, ClinGen allele CA436125212.